The following is an entry in ClinVar:

ClinVar aggregate classification (germline): Conflicting classifications of pathogenicity. Review status: criteria provided, conflicting classifications (1 of 4 stars). 5 submissions from 5 submitters: Uncertain significance (1); Likely benign (3). 1 of the submissions does not count toward it. Last evaluated 2026-01-12.

Conditions:
CARS2-related disorder. Also called: CARS2-related condition.
Combined oxidative phosphorylation defect type 27. Also called: Combined oxidative phosphorylation deficiency 27. Identifiers: Orphanet 477774, MedGen C5567608, MONDO:0014728, OMIM 616672.

Allele frequency attached by ClinVar (database versions not stated): gnomAD 0.00021 and 0.00022; TOPMed 0.00032; 1000 Genomes Project 0.00040; 1000 Genomes Project 30x 0.00047.
gnomAD v4.1: 255 of 1,582,326 alleles (0.016%); highest among the groups gnomAD compares: East Asian, 0.16%; no homozygotes.

Submissions (5):

Labcorp Genetics (formerly Invitae), Labcorp
Classification: Likely benign for Combined oxidative phosphorylation defect type 27. Last evaluated: 2026-01-12. Review status: criteria provided, single submitter. Criteria: Invitae Variant Classification Sherloc (09022015). Collection method: clinical testing. Allele origin: germline.

GeneDx
Classification: Uncertain significance. Last evaluated: 2025-10-03. Review status: criteria provided, single submitter. Criteria: GeneDx Variant Classification Process June 2021. Collection method: clinical testing. Allele origin: germline.
Comment: Reported in an individual with schizophrenia; however, additional clinical information was not provided (PMID: 26740555); In silico analysis suggests that this missense variant does not alter protein structure/function; This variant is associated with the following publications: (PMID: 28719003, 26740555)

ARUP Laboratories, Molecular Genetics and Genomics, ARUP Laboratories
Classification: Likely benign for Combined oxidative phosphorylation defect type 27. Last evaluated: 2024-12-26. Review status: criteria provided, single submitter. Criteria: ARUP Molecular Germline Variant Investigation Process 2024. Collection method: clinical testing. Allele origin: germline.

Blueprint Genetics
Classification: Likely benign. Last evaluated: 2024-07-17. Review status: criteria provided, single submitter. Criteria: ACMG Guidelines, 2015. Collection method: clinical testing. Allele origin: germline.

PreventionGenetics, part of Exact Sciences
Classification: Likely benign for CARS2-related condition. Last evaluated: 2022-06-03. Review status: no assertion criteria provided. Collection method: clinical testing. Allele origin: germline. Not counted in ClinVar's aggregate classification.
Comment: This variant is classified as likely benign based on ACMG/AMP sequence variant interpretation guidelines (Richards et al. 2015 PMID: 25741868, with internal and published modifications).

NM_024537.4(CARS2):c.1535G>A (p.Arg512Gln)

Gene: CARS2 (cysteinyl-tRNA synthetase 2, mitochondrial; minus strand). Cytogenetic location: 13q34.
Variant type: single nucleotide variant.
Coding change: c.1535G>A on transcript NM_024537.4 (MANE Select); coding-DNA position 1535, G replaced by A.
Protein change: p.Arg512Gln; replaces arginine 512 with glutamine.
Molecular consequence: missense variant. On other transcripts: non-coding transcript variant (2).
Genome position (GRCh38, 1-based): chr13:110,642,403, C>T on the plus strand (G>A on the coding strand, the complement: CARS2 is on the minus strand). VCF-style: chr13-110642403-C-T. GRCh37 (hg19) VCF-style: chr13-111294750-C-T.
Other names: c.749G>A, p.Arg250Gln (NM_001352252.2); c.1535G>A (NM_024537.2); short protein forms R512Q, R250Q.
Identifiers: ClinVar variation 542311 (VCV000542311.18), dbSNP rs200491395, ClinGen allele CA7051614.